The following is an entry in ClinVar:

ClinVar aggregate classification (germline): Conflicting classifications of pathogenicity. Review status: criteria provided, conflicting classifications (1 of 4 stars). 5 submissions from 3 submitters: Uncertain significance (3); Likely benign (2). Last evaluated 2023-02-08.

Conditions:
Familial Mediterranean fever, autosomal dominant. Also called: Dominant Familial Mediterranean Fever; FMF, AUTOSOMAL DOMINANT. Identifiers: Orphanet 342, MedGen C1851347, MONDO:0007601, OMIM 134610.
Acute febrile neutrophilic dermatosis (AFND). Also called: Sweet Syndrome; Gomm Button disease. Identifiers: Orphanet 3243, MedGen C0085077, MONDO:0011959, OMIM 608068.
Familial Mediterranean fever (FMF). Also called: POLYSEROSITIS, FAMILIAL PAROXYSMAL; POLYSEROSITIS, RECURRENT; Periodic peritonitis; Benign paroxysmal peritonitis. Identifiers: Orphanet 342, MedGen C0031069, MONDO:0018088, OMIM 249100. Disease mechanism: gain of function.

Allele frequency attached by ClinVar (database versions not stated): gnomAD 0.00001; TOPMed 0.00001; ExAC 0.00001.

Submissions (5):

Genome-Nilou Lab
Classification: Likely benign for Acute febrile neutrophilic dermatosis. Last evaluated: 2023-02-08. Review status: criteria provided, single submitter. Criteria: ACMG Guidelines, 2015. Collection method: clinical testing. Allele origin: germline.

Genome-Nilou Lab
Classification: Uncertain significance for Familial Mediterranean fever. Last evaluated: 2023-02-08. Review status: criteria provided, single submitter. Criteria: ACMG Guidelines, 2015. Collection method: clinical testing. Allele origin: germline.

Genome-Nilou Lab
Classification: Likely benign for Familial Mediterranean fever, autosomal dominant. Last evaluated: 2023-02-08. Review status: criteria provided, single submitter. Criteria: ACMG Guidelines, 2015. Collection method: clinical testing. Allele origin: germline.

Fulgent Genetics
Classification: Uncertain significance for Familial Mediterranean fever, autosomal dominant; Familial Mediterranean fever; Acute febrile neutrophilic dermatosis. Last evaluated: 2022-01-01. Review status: criteria provided, single submitter. Criteria: ACMG Guidelines, 2015. Collection method: clinical testing. Allele origin: unknown.

GeneDx
Classification: Uncertain significance. Last evaluated: 2015-09-29. Review status: criteria provided, single submitter. Criteria: GeneDx Variant Classification (06012015). Collection method: clinical testing. Allele origin: germline. Affected: yes.
Comment: The P714L variant has not been published as a pathogenic variant, nor has it been reported as a benign variant to our knowledge. The variant was not observed in approximately 6,500 individuals of European and African American ancestry in the NHLBI Exome Sequencing Project, indicating it is not a common benign variant in these populations. The P714L variant is a semi-conservative amino acid substitution, which may impact secondary protein structure as these residues differ in some properties. This substitution occurs at a position in a B30.2/SPRY domain that is not conserved across species, and in silico analysis predicts this variant likely does not alter the protein structure/function. However, missense pathogenic variants in nearby residues (K716M and R717S/L/H) have been reported in the Human Gene Mutation Database in association with familial Mediterranean fever and PFAPA syndrome (Stenson et al., 2014), supporting the functional importance of this region of the protein. Therefore, based on the currently available information, it is unclear whether this variant is a pathogenic variant or a rare benign variant.

NM_000243.3(MEFV):c.2141C>T (p.Pro714Leu)

Genes: MEFV (MEFV innate immunity regulator, pyrin; minus strand), LOC126862264 (CDK7 strongly-dependent group 2 enhancer GRCh37_chr16:3293322-3294521; plus strand). Cytogenetic location: 16p13.3.
Variant type: single nucleotide variant.
Coding change: c.2141C>T on transcript NM_000243.3 (MANE Select); coding-DNA position 2141, C replaced by T.
Protein change: p.Pro714Leu; replaces proline 714 with leucine.
Molecular consequence: missense variant. On other transcripts: 3 prime UTR variant (1).
Genome position (GRCh38, 1-based): chr16:3,243,346, G>A on the plus strand (C>T on the coding strand, the complement: MEFV is on the minus strand). VCF-style: chr16-3243346-G-A. GRCh37 (hg19) VCF-style: chr16-3293346-G-A.
Other names: c.*345C>T (NM_001198536.2); short protein forms P714L.
Identifiers: ClinVar variation 234551 (VCV000234551.4), dbSNP rs758628487, ClinGen allele CA7859869.